The following is an entry in ClinVar:

NM_000384.3(APOB):c.7567A>C (p.Met2523Leu)

Gene: APOB (apolipoprotein B; minus strand). Cytogenetic location: 2p24.1.
Variant type: single nucleotide variant.
Coding change: c.7567A>C on transcript NM_000384.3 (MANE Select); coding-DNA position 7567, A replaced by C.
Protein change: p.Met2523Leu; replaces methionine 2523 with leucine.
Molecular consequence: missense variant.
Genome position (GRCh38, 1-based): chr2:21,009,301, T>G on the plus strand (A>C on the coding strand, the complement: APOB is on the minus strand). VCF-style: chr2-21009301-T-G. GRCh37 (hg19) VCF-style: chr2-21232173-T-G.
Other names: short protein forms M2523L.
Identifiers: ClinVar variation 3231452 (VCV003231452.2), dbSNP rs2465368592, ClinGen allele CA345996878.

ClinVar aggregate classification (germline): Uncertain significance. Review status: criteria provided, multiple submitters, no conflicts (2 of 4 stars). 2 submissions from 2 submitters: Uncertain significance (2). Last evaluated 2025-12-22.

Conditions:
Cardiovascular phenotype. Identifiers: MedGen CN230736.
Hypercholesterolemia, autosomal dominant, type B (FHCL2). Also called: Familial Hypercholesterolemia Type B; APOLIPOPROTEIN B-100, FAMILIAL DEFECTIVE; APOLIPOPROTEIN B-100, FAMILIAL LIGAND-DEFECTIVE; HYPERCHOLESTEROLEMIA, FAMILIAL, DUE TO LIGAND-DEFECTIVE APOLIPOPROTEIN B; Familial hypercholesterolemia 2; APOB-Related Familial Hypercholesterolemia, Autosomal Dominant. Identifiers: MedGen C1704417, MONDO:0007751, OMIM 144010.
Familial hypobetalipoproteinemia 1. Also called: APOB-Related Familial Hypobetalipoproteinemia; Hypobetalipoproteinemia, normotriglyceridemic; Acanthocytosis with hypobetalipoproteinemia. Identifiers: MedGen C4551990, MONDO:0014252, OMIM 615558.

Submissions (2):

Labcorp Genetics (formerly Invitae), Labcorp
Classification: Uncertain significance for Familial hypobetalipoproteinemia 1; Hypercholesterolemia, autosomal dominant, type B. Last evaluated: 2025-12-22. Review status: criteria provided, single submitter. Criteria: Invitae Variant Classification Sherloc (09022015). Collection method: clinical testing. Allele origin: germline.
Comment: This sequence change replaces methionine, which is neutral and non-polar, with leucine, which is neutral and non-polar, at codon 2523 of the APOB protein (p.Met2523Leu). This variant is not present in population databases (gnomAD no frequency). This variant has not been reported in the literature in individuals affected with APOB-related conditions. ClinVar contains an entry for this variant (Variation ID: 3231452). Invitae Evidence Modeling of protein sequence and biophysical properties (such as structural, functional, and spatial information, amino acid conservation, physicochemical variation, residue mobility, and thermodynamic stability) indicates that this missense variant is not expected to disrupt APOB protein function with a negative predictive value of 95%. In summary, the available evidence is currently insufficient to determine the role of this variant in disease. Therefore, it has been classified as a Variant of Uncertain Significance.

Ambry Genetics
Classification: Uncertain significance for Cardiovascular phenotype. Last evaluated: 2024-01-22. Review status: criteria provided, single submitter. Criteria: Ambry Variant Classification Scheme 2023. Collection method: clinical testing. Allele origin: germline.
Comment: The p.M2523L variant (also known as c.7567A>C), located in coding exon 26 of the APOB gene, results from an A to C substitution at nucleotide position 7567. The methionine at codon 2523 is replaced by leucine, an amino acid with highly similar properties. This amino acid position is conserved. In addition, this alteration is predicted to be tolerated by in silico analysis. Based on the available evidence, the clinical significance of this alteration remains unclear.